The following is an entry in ClinVar:

ClinVar aggregate classification (germline): Likely pathogenic. Review status: criteria provided, single submitter (1 of 4 stars). 2 submissions from 2 submitters: Likely pathogenic (1). 1 of the submissions does not count toward it. Last evaluated 2025-07-07.

Conditions:
3-Oxo-5 alpha-steroid delta 4-dehydrogenase deficiency (PPSH). Also called: 46,XY disorder of sex development due to 5-alpha-reductase 2 deficiency; PSEUDOVAGINAL PERINEOSCROTAL HYPOSPADIAS; FAMILIAL INCOMPLETE MALE PSEUDOHERMAPHRODITISM, TYPE 2; MALE PSEUDOHERMAPHRODITISM DUE TO 5-ALPHA-REDUCTASE DEFICIENCY. Identifiers: Orphanet 753, MedGen C0268297, MONDO:0009923, OMIM 264600. Disease mechanism: loss of function.

Allele frequency attached by ClinVar (database versions not stated): gnomAD exomes below 0.00001; TOPMed below 0.00001; gnomAD 0.00001.
gnomAD v4.1: 3 of 1,585,174 alleles (0.00019%); highest among the groups gnomAD compares: African/African-American, 0.004%; no homozygotes.

Submissions (2):

Variantyx, Inc.
Classification: Likely pathogenic for 3-Oxo-5 alpha-steroid delta 4-dehydrogenase deficiency. Last evaluated: 2025-07-07. Review status: criteria provided, single submitter. Criteria: Variantyx Assertion Criteria 2022. Collection method: clinical testing. Allele origin: germline. Inheritance: Autosomal recessive inheritance. Affected: no.
Comment: This is a nonsense variant in the SRD5A2 gene (OMIM: 607306). Pathogenic variants in this gene have been associated with autosomal recessive pseudovaginal perineoscrotal hypospadias. This variant introduces a premature termination codon in exon 3 out of 5and is expected to result in loss of function, which is a known disease mechanism for SRD5A2 in this disorder (PVS1) (PMID:1944596;12843198). It has a 0.0040% maximum allele frequency in non-founder control populations (PM2). Based on the current evidence, this variant is classified as likely pathogenic for autosomal recessive pseudovaginal perineoscrotal hypospadias.

Clinical Molecular Genetics Laboratory, Johns Hopkins All Children's Hospital
Classification: Pathogenic for 3-Oxo-5 alpha-steroid delta 4-dehydrogenase deficiency. Last evaluated: 2014-02-27. Review status: no assertion criteria provided. Collection method: clinical testing. Allele origin: germline. Affected: yes. Not counted in ClinVar's aggregate classification.

Literature cited by the submitters: PubMed 1944596 (cited by Variantyx, Inc.); PubMed 12843198 (cited by Variantyx, Inc.).

NM_000348.4(SRD5A2):c.534C>A (p.Tyr178Ter)

Gene: SRD5A2 (steroid 5 alpha-reductase 2; minus strand). Cytogenetic location: 2p23.1.
Variant type: single nucleotide variant.
Coding change: c.534C>A on transcript NM_000348.4 (MANE Select); coding-DNA position 534, C replaced by A.
Protein change: p.Tyr178Ter; replaces tyrosine 178 with a stop codon.
Molecular consequence: nonsense.
Genome position (GRCh38, 1-based): chr2:31,531,384, G>T on the plus strand (C>A on the coding strand, the complement: SRD5A2 is on the minus strand). VCF-style: chr2-31531384-G-T. GRCh37 (hg19) VCF-style: chr2-31756454-G-T.
Other names: short protein forms Y178*.
Identifiers: ClinVar variation 492902 (VCV000492902.2), dbSNP rs1200261940, ClinGen allele CA346598184.